The following is an entry in ClinVar:

NM_138295.5(PKD1L1):c.6203G>A (p.Ser2068Asn)

Gene: PKD1L1 (polycystin 1 like 1, transient receptor potential channel interacting; minus strand). Cytogenetic location: 7p12.3.
Variant type: single nucleotide variant.
Coding change: c.6203G>A on transcript NM_138295.5 (MANE Select); coding-DNA position 6203, G replaced by A.
Protein change: p.Ser2068Asn; replaces serine 2068 with asparagine.
Molecular consequence: missense variant.
Genome position (GRCh38, 1-based): chr7:47,833,224, C>T on the plus strand (G>A on the coding strand, the complement: PKD1L1 is on the minus strand). VCF-style: chr7-47833224-C-T. GRCh37 (hg19) VCF-style: chr7-47872822-C-T.
Other names: short protein forms S2068N.
Identifiers: ClinVar variation 4985383 (VCV004985383.1).

ClinVar aggregate classification (germline): Uncertain significance (1 of 4 stars; one submission).

Conditions:
PKD1L1-related disorder. Also called: PKD1L1-related condition.

gnomAD v4.1: 12 of 1,613,010 alleles (0.00074%); highest among the groups gnomAD compares: South Asian, 0.011%; no homozygotes.

Submission:

PreventionGenetics, part of Exact Sciences
Classification: Uncertain significance for PKD1L1-related condition. Last evaluated: 2025-08-13. Review status: criteria provided, single submitter. Criteria: ACMG Guidelines, 2015. Collection method: clinical testing. Allele origin: germline.
Comment: The PKD1L1 c.6203G>A variant is predicted to result in the amino acid substitution p.Ser2068Asn. To our knowledge, this variant has not been reported in the literature. This variant is reported in 0.0099% of alleles in individuals of South Asian descent in gnomAD. At this time, the clinical significance of this variant is uncertain due to the absence of conclusive functional and genetic evidence.